The following is an entry in ClinVar:

NM_006017.3(PROM1):c.509+1G>A

Gene: PROM1 (prominin 1; minus strand). Cytogenetic location: 4p15.32.
Variant type: single nucleotide variant.
Coding change: c.509+1G>A on transcript NM_006017.3 (MANE Select); the canonical splice donor site of the intron after coding-DNA position 509, G replaced by A.
Molecular consequence: splice donor variant.
Genome position (GRCh38, 1-based): chr4:16,033,303, C>T on the plus strand (G>A on the coding strand, the complement: PROM1 is on the minus strand). VCF-style: chr4-16033303-C-T. GRCh37 (hg19) VCF-style: chr4-16034926-C-T.
Other names: c.482+1G>A (NM_001145848.2, NM_001145852.2, NM_001145847.2 and 4 more transcripts); c.509+1G>A (NM_001145850.2, NM_001145849.2).
Identifiers: ClinVar variation 3066383 (VCV003066383.3), dbSNP rs1560532624, ClinGen allele CA356426959.

ClinVar aggregate classification (germline): Likely pathogenic. Review status: criteria provided, multiple submitters, no conflicts (2 of 4 stars). 2 submissions from 2 submitters: Likely pathogenic (2). Last evaluated 2025-02-17.

Conditions:
Retinitis pigmentosa 41 (RP41). Also called: RETINAL DEGENERATION, AUTOSOMAL RECESSIVE, PROMININ-RELATED. Identifiers: Orphanet 791, MedGen C2677516, MONDO:0012796, OMIM 612095.

Allele frequency attached by ClinVar (database versions not stated): gnomAD exomes below 0.00001.
gnomAD v4.1: 4 of 1,608,676 alleles (0.00025%); highest among the groups gnomAD compares: African/African-American, 0.0013%; no homozygotes.

Submissions (2):

Labcorp Genetics (formerly Invitae), Labcorp
Classification: Likely pathogenic. Last evaluated: 2025-02-17. Review status: criteria provided, single submitter. Criteria: Invitae Variant Classification Sherloc (09022015). Collection method: clinical testing. Allele origin: germline.
Comment: This sequence change affects a donor splice site in intron 4 of the PROM1 gene. It is expected to disrupt RNA splicing. Variants that disrupt the donor or acceptor splice site typically lead to a loss of protein function (PMID: 16199547), and loss-of-function variants in PROM1 are known to be pathogenic (PMID: 17605048, 19718270, 24154662, 25474345). This variant is not present in population databases (gnomAD no frequency). This variant has not been reported in the literature in individuals affected with PROM1-related conditions. ClinVar contains an entry for this variant (Variation ID: 3066383). Algorithms developed to predict the effect of sequence changes on RNA splicing suggest that this variant may disrupt the consensus splice site. In summary, the currently available evidence indicates that the variant is pathogenic, but additional data are needed to prove that conclusively. Therefore, this variant has been classified as Likely Pathogenic.

MVZ Medizinische Genetik Mainz
Classification: Likely pathogenic for Retinitis pigmentosa 41. Last evaluated: 2023-10-09. Review status: criteria provided, single submitter. Criteria: UK Practice Guidelines For Variant Classification V4 01 2020. Collection method: clinical testing. Allele origin: germline. Inheritance: Autosomal recessive inheritance. Affected: yes. Observed: 1 variant allele.
Comment: ACMG Criteria: PVS1,PM2_SUP

Literature cited by the submitters: PubMed 16199547 (cited by Labcorp Genetics (formerly Invitae), Labcorp); PubMed 17605048 (cited by Labcorp Genetics (formerly Invitae), Labcorp); PubMed 19718270 (cited by Labcorp Genetics (formerly Invitae), Labcorp); PubMed 24154662 (cited by Labcorp Genetics (formerly Invitae), Labcorp); PubMed 25474345 (cited by Labcorp Genetics (formerly Invitae), Labcorp).